The following is an entry in ClinVar:

ClinVar aggregate classification (germline): Uncertain significance (0 of 4 stars; one submission).

Conditions:
Global developmental delay (DD). Also called: Cognitive delay. Identifiers: MedGen C0557874, HP:0001263. Disease mechanism: loss of function.

Submission:

Institute of Human Genetics, University of Goettingen
Classification: Uncertain significance for Global developmental delay. Last evaluated: 2022-06-19. Review status: no assertion criteria provided. Collection method: clinical testing. Allele origin: maternal. Affected: yes.

GRCh37/hg19 Xq13.1(chrX:70471276-70510697)x0

Genes: NONO (non-POU domain containing octamer binding; plus strand), ZMYM3 (zinc finger MYM-type containing 3; minus strand). Cytogenetic location: Xq13.1.
Variant type: copy number loss.
Change: copy number 0 of chrX:70,471,276-70,510,697 (39.4 kb, GRCh37 coordinates, 1-based), cytogenetic band Xq13.1.
Identifiers: ClinVar variation 1705887 (VCV001705887.2).